The following is an entry in ClinVar:

NM_181303.2(NLGN3):c.346G>A (p.Glu116Lys)

Gene: NLGN3 (neuroligin 3; plus strand). Cytogenetic location: Xq13.1.
Variant type: single nucleotide variant.
Coding change: c.346G>A on transcript NM_181303.2 (MANE Select); coding-DNA position 346, G replaced by A.
Protein change: p.Glu116Lys; replaces glutamic acid 116 with lysine.
Molecular consequence: missense variant. On other transcripts: 5 prime UTR variant (4).
Genome position (GRCh38, 1-based): chrX:71,148,095, G>A. VCF-style: chrX-71148095-G-A. GRCh37 (hg19) VCF-style: chrX-70367945-G-A.
Other names: c.346G>A, p.Glu116Lys (NM_001166660.2, NM_018977.4); c.-6G>A (NM_001321276.2, NM_001437941.1, NM_001438296.1 and 1 more transcripts); short protein forms E116K.
Identifiers: ClinVar variation 5008997 (VCV005008997.1).
Genomic context (GRCh38, chrX:71,148,095, plus strand): 5'-ATCCGGAACGCCACACACTTTCCCCCAGTGTGCCCCCAGAACATCCACACAGCTGTGCCC[G>A]AAGTCATGCTGCCGGTCTGGTTCACTGCCAACTTGGATATCGTCGCTACTTACATCCAGG-3'
Protein context (NP_851820.1, residues 106-126): CPQNIHTAVP[Glu116Lys]VMLPVWFTAN

ClinVar aggregate classification (germline): Uncertain significance (1 of 4 stars; one submission).

gnomAD v4.1: 4 of 1,207,851 alleles (0.00033%); highest among the groups gnomAD compares: African/African-American, 0.0018%; no homozygotes.

Submission:

GeneDx
Classification: Uncertain significance. Last evaluated: 2026-03-12. Review status: criteria provided, single submitter. Criteria: GeneDx Variant Classification Process June 2021. Collection method: clinical testing. Allele origin: germline.
Comment: Not observed at significant frequency in large population cohorts (gnomAD); In silico analysis suggests that this missense variant does not alter protein structure/function; Has not been previously published as pathogenic or benign to our knowledge